The following is an entry in ClinVar:

ClinVar aggregate classification (germline): Uncertain significance. Review status: criteria provided, multiple submitters, no conflicts (2 of 4 stars). 2 submissions from 2 submitters: Uncertain significance (2). Last evaluated 2025-02-21.

Allele frequency attached by ClinVar (database versions not stated): TOPMed below 0.00001; gnomAD 0.00003.

Submissions (2):

Ambry Genetics
Classification: Uncertain significance. Last evaluated: 2025-02-21. Review status: criteria provided, single submitter. Criteria: Ambry Variant Classification Scheme 2023. Collection method: clinical testing. Allele origin: germline.
Comment: The p.M453K variant (also known as c.1358T>A), located in coding exon 10 of the RINT1 gene, results from a T to A substitution at nucleotide position 1358. The methionine at codon 453 is replaced by lysine, an amino acid with similar properties. This amino acid position is conserved. In addition, the in silico prediction for this alteration is inconclusive. Since supporting evidence is limited at this time, the clinical significance of this alteration remains unclear.

Labcorp Genetics (formerly Invitae), Labcorp
Classification: Uncertain significance. Last evaluated: 2023-06-04. Review status: criteria provided, single submitter. Criteria: Invitae Variant Classification Sherloc (09022015). Collection method: clinical testing. Allele origin: germline.
Comment: Algorithms developed to predict the effect of sequence changes on RNA splicing suggest that this variant may disrupt the consensus splice site. In summary, the available evidence is currently insufficient to determine the role of this variant in disease. Therefore, it has been classified as a Variant of Uncertain Significance. An algorithm developed to predict the effect of missense changes on protein structure and function (PolyPhen-2) suggests that this variant is likely to be disruptive. ClinVar contains an entry for this variant (Variation ID: 2496968). This variant has not been reported in the literature in individuals affected with RINT1-related conditions. This variant is present in population databases (no rsID available, gnomAD 0.03%). This sequence change replaces methionine, which is neutral and non-polar, with lysine, which is basic and polar, at codon 453 of the RINT1 protein (p.Met453Lys).

NM_021930.6(RINT1):c.1358T>A (p.Met453Lys)

Gene: RINT1 (RAD50 interactor 1; plus strand). Cytogenetic location: 7q22.3.
Variant type: single nucleotide variant.
Coding change: c.1358T>A on transcript NM_021930.6 (MANE Select); coding-DNA position 1358, T replaced by A.
Protein change: p.Met453Lys; replaces methionine 453 with lysine.
Molecular consequence: missense variant. On other transcripts: non-coding transcript variant (1).
Genome position (GRCh38, 1-based): chr7:105,551,594, T>A. VCF-style: chr7-105551594-T-A. GRCh37 (hg19) VCF-style: chr7-105192041-T-A.
Other names: c.1124T>A, p.Met375Lys (NM_001346599.2); c.335T>A, p.Met112Lys (NM_001346600.2, NM_001346603.2); c.434T>A, p.Met145Lys (NM_001346601.2); short protein forms M145K, M375K, M112K, M453K.
Identifiers: ClinVar variation 2496968 (VCV002496968.6), dbSNP rs1243317131, ClinGen allele CA368809709.